The following is an entry in ClinVar:

ClinVar aggregate classification (germline): Uncertain significance (1 of 4 stars; one submission).

Conditions:
Developmental and epileptic encephalopathy, 34 (DEE34). Also called: SLC12A5-Related Epilepsy of Infancy with Migrating Focal Seizures; Early infantile epileptic encephalopathy 34. Identifiers: Orphanet 293181, MedGen C4225257, MONDO:0014718, OMIM 616645.

Submission:

Labcorp Genetics (formerly Invitae), Labcorp
Classification: Uncertain significance for Developmental and epileptic encephalopathy, 34. Last evaluated: 2022-06-01. Review status: criteria provided, single submitter. Criteria: Invitae Variant Classification Sherloc (09022015). Collection method: clinical testing. Allele origin: germline.
Comment: In summary, the available evidence is currently insufficient to determine the role of this variant in disease. Therefore, it has been classified as a Variant of Uncertain Significance. Advanced modeling of protein sequence and biophysical properties (such as structural, functional, and spatial information, amino acid conservation, physicochemical variation, residue mobility, and thermodynamic stability) performed at Invitae indicates that this missense variant is expected to disrupt SLC12A5 protein function. This variant has not been reported in the literature in individuals affected with SLC12A5-related conditions. This variant is not present in population databases (gnomAD no frequency). This sequence change replaces methionine, which is neutral and non-polar, with valine, which is neutral and non-polar, at codon 610 of the SLC12A5 protein (p.Met610Val).

NM_020708.5(SLC12A5):c.1828A>G (p.Met610Val)

Gene: SLC12A5 (solute carrier family 12 member 5; plus strand). Cytogenetic location: 20q13.12.
Variant type: single nucleotide variant.
Coding change: c.1828A>G on transcript NM_020708.5 (MANE Select); coding-DNA position 1828, A replaced by G.
Protein change: p.Met610Val; replaces methionine 610 with valine.
Molecular consequence: missense variant.
Genome position (GRCh38, 1-based): chr20:46,047,494, A>G. VCF-style: chr20-46047494-A-G. GRCh37 (hg19) VCF-style: chr20-44676133-A-G.
Other names: c.1897A>G, p.Met633Val (NM_001134771.2); short protein forms M633V, M610V.
Identifiers: ClinVar variation 2001856 (VCV002001856.4), dbSNP rs2515645574, ClinGen allele CA409199101.